The following is an entry in ClinVar:

ClinVar aggregate classification (germline): Uncertain significance (1 of 4 stars; one submission).

Conditions:
Primary ciliary dyskinesia. Also called: Ciliary dyskinesia. Identifiers: Orphanet 244, MedGen C0008780, MONDO:0016575, HP:0012265.

Allele frequency attached by ClinVar (database versions not stated): gnomAD exomes 0.00005.

Submission:

Labcorp Genetics (formerly Invitae), Labcorp
Classification: Uncertain significance for Primary ciliary dyskinesia. Last evaluated: 2023-07-12. Review status: criteria provided, single submitter. Criteria: Invitae Variant Classification Sherloc (09022015). Collection method: clinical testing. Allele origin: germline.
Comment: This sequence change replaces glycine, which is neutral and non-polar, with arginine, which is basic and polar, at codon 847 of the RPGR (ORF15) protein (p.Gly847Arg). The frequency data for this variant in the population databases is considered unreliable, as metrics indicate insufficient coverage at this position in the gnomAD database. This variant has not been reported in the literature in individuals affected with RPGR (ORF15)-related conditions. ClinVar contains an entry for this variant (Variation ID: 1466790). Advanced modeling of protein sequence and biophysical properties (such as structural, functional, and spatial information, amino acid conservation, physicochemical variation, residue mobility, and thermodynamic stability) performed at Invitae indicates that this missense variant is not expected to disrupt RPGR (ORF15) protein function. In summary, the available evidence is currently insufficient to determine the role of this variant in disease. Therefore, it has been classified as a Variant of Uncertain Significance.

NM_001034853.2(RPGR):c.2539G>A (p.Gly847Arg)

Gene: RPGR (retinitis pigmentosa GTPase regulator; minus strand). Cytogenetic location: Xp11.4.
Variant type: single nucleotide variant.
Coding change: c.2539G>A on transcript NM_001034853.2 (MANE Select); coding-DNA position 2539, G replaced by A.
Protein change: p.Gly847Arg; replaces glycine 847 with arginine.
Molecular consequence: missense variant. On other transcripts: intron variant (8).
Genome position (GRCh38, 1-based): chrX:38,286,460, C>T on the plus strand (G>A on the coding strand, the complement: RPGR is on the minus strand). VCF-style: chrX-38286460-C-T. GRCh37 (hg19) VCF-style: chrX-38145713-C-T.
Other names: c.1569+4499G>A (NM_001367249.1, NM_001367250.1); c.1902+634G>A (NM_001367245.1); c.1386+4499G>A (NM_001367251.1); c.1719+634G>A (NM_001367246.1); c.1572+4499G>A (NM_001367247.1); c.1905+634G>A (NM_000328.3); c.1602+4499G>A (NM_001367248.1); short protein forms G847R.
Identifiers: ClinVar variation 1466790 (VCV001466790.6), dbSNP rs1454586504, ClinGen allele CA412730403.